The following is an entry in ClinVar:

NM_015443.4(KANSL1):c.1892C>G (p.Pro631Arg)

Gene: KANSL1 (KAT8 regulatory NSL complex subunit 1). Cytogenetic location: 17q21.31.
Variant type: single nucleotide variant.
Coding change: c.1892C>G on transcript NM_015443.4 (MANE Select); coding-DNA position 1892, C replaced by G.
Protein change: p.Pro631Arg; replaces proline 631 with arginine.
Molecular consequence: missense variant.
Genome position (GRCh38, 1-based): chr17:46,050,661, G>C on the plus strand (C>G on the coding strand, the complement: KANSL1 is on the minus strand). VCF-style: chr17-46050661-G-C. GRCh37 (hg19) VCF-style: chr17-44128027-G-C.
Other names: c.1892C>G, p.Pro631Arg (NM_001193465.2, NM_001193466.2, NM_001379198.1 and 14 more transcripts); c.1790C>G, p.Pro597Arg (NM_001405859.1, NM_001405860.1, NM_001405861.1 and 1 more transcripts); c.626C>G, p.Pro209Arg (NM_001405882.1, NM_001405883.1, NM_001405884.1 and 1 more transcripts); short protein forms P209R, P597R, P631R.
Identifiers: ClinVar variation 3063648 (VCV003063648.1), dbSNP rs2510650948, ClinGen allele CA399984148.

ClinVar aggregate classification (germline): Uncertain significance (1 of 4 stars; one submission).

Allele frequency attached by ClinVar (database versions not stated): gnomAD exomes 0.00001.
gnomAD v4.1: 3 of 1,613,968 alleles (0.00019%); highest among the groups gnomAD compares: South Asian, 0.0022%; no homozygotes.

Submission:

Women's Health and Genetics/Laboratory Corporation of America, LabCorp
Classification: Uncertain significance. Last evaluated: 2024-01-23. Review status: criteria provided, single submitter. Criteria: LabCorp Variant Classification Summary - May 2015. Collection method: clinical testing. Allele origin: germline.
Comment: Variant summary: KIAA1267 (aka. KANSL1) c.1892C>G (p.Pro631Arg) results in a non-conservative amino acid change in the encoded protein sequence. Four of five in-silico tools predict a benign effect of the variant on protein function. The variant allele was found at a frequency of 4.8e-06 in 624434 control chromosomes (i.e. 3 carriers; gnomAD v4). The available data on variant occurrences in the general population are insufficient to allow any conclusion about variant significance. To our knowledge, no occurrence of c.1892C>G in individuals affected with Koolen-De Vries Syndrome and no experimental evidence demonstrating its impact on protein function have been reported. No submitters have cited clinical-significance assessments for this variant to ClinVar. Based on the evidence outlined above, the variant was classified as uncertain significance.